The following is an entry in ClinVar:

ClinVar aggregate classification (germline): Uncertain significance (1 of 4 stars; one submission).

Conditions:
Glycogen storage disease IXd (GSD9D). Also called: Muscle Phosphorylase Kinase Deficiency; GSD IXd. Identifiers: Orphanet 715, MedGen C1845151, MONDO:0010362, OMIM 300559.

Allele frequency attached by ClinVar (database versions not stated): gnomAD 0.00001; ExAC 0.00003.

Submission:

Labcorp Genetics (formerly Invitae), Labcorp
Classification: Uncertain significance for Glycogen storage disease IXd. Last evaluated: 2023-02-14. Review status: criteria provided, single submitter. Criteria: Invitae Variant Classification Sherloc (09022015). Collection method: clinical testing. Allele origin: germline.
Comment: This sequence change replaces arginine, which is basic and polar, with tryptophan, which is neutral and slightly polar, at codon 688 of the PHKA1 protein (p.Arg688Trp). This variant is present in population databases (rs782125255, gnomAD 0.02%). This variant has not been reported in the literature in individuals affected with PHKA1-related conditions. Advanced modeling of protein sequence and biophysical properties (such as structural, functional, and spatial information, amino acid conservation, physicochemical variation, residue mobility, and thermodynamic stability) performed at Invitae indicates that this missense variant is not expected to disrupt PHKA1 protein function. In summary, the available evidence is currently insufficient to determine the role of this variant in disease. Therefore, it has been classified as a Variant of Uncertain Significance.

NM_002637.4(PHKA1):c.2062C>T (p.Arg688Trp)

Gene: PHKA1 (phosphorylase kinase regulatory subunit alpha 1; minus strand). Cytogenetic location: Xq13.1.
Variant type: single nucleotide variant.
Coding change: c.2062C>T on transcript NM_002637.4 (MANE Select); coding-DNA position 2062, C replaced by T.
Protein change: p.Arg688Trp; replaces arginine 688 with tryptophan.
Molecular consequence: missense variant. On other transcripts: intron variant (1).
Genome position (GRCh38, 1-based): chrX:72,620,800, G>A on the plus strand (C>T on the coding strand, the complement: PHKA1 is on the minus strand). VCF-style: chrX-72620800-G-A. GRCh37 (hg19) VCF-style: chrX-71840650-G-A.
Other names: c.2062C>T, p.Arg688Trp (NM_001122670.2); c.1961-1495C>T (NM_001172436.2); short protein forms R688W.
Identifiers: ClinVar variation 2726095 (VCV002726095.3), dbSNP rs782125255, ClinGen allele CA10450770.